The following is an entry in ClinVar:

NM_015978.3(TNNI3K):c.2165G>T (p.Cys722Phe)

Genes: FPGT-TNNI3K (FPGT-TNNI3K readthrough; plus strand), LRRC53 (leucine rich repeat containing 53; minus strand), TNNI3K (TNNI3 interacting kinase; plus strand). Cytogenetic location: 1p31.1.
Variant type: single nucleotide variant.
Coding change: c.2165G>T on transcript NM_015978.3 (MANE Select); coding-DNA position 2165, G replaced by T.
Protein change: p.Cys722Phe; replaces cysteine 722 with phenylalanine.
Molecular consequence: missense variant. On other transcripts: intron variant (2).
Genome position (GRCh38, 1-based): chr1:74,489,232, G>T. VCF-style: chr1-74489232-G-T. GRCh37 (hg19) VCF-style: chr1-74954916-G-T.
Other names: c.2468G>T, p.Cys823Phe (NM_001112808.3); c.-8-8264C>A (NM_001364666.2); c.-26-5857C>A (NM_001382280.1); short protein forms C823F, C722F.
Identifiers: ClinVar variation 4704798 (VCV004704798.1).
Genomic context (GRCh38, chr1:74,489,232, plus strand): 5'-CTTTTTTCTATTTACAGGGAAGACCCGAATTTTCTGAAGTTGTCATGAAGTTAGAAGAGT[G>T]TCTCTGCAACATTGAGGTAAAAGCTTTAGCTTCTGAAATATGTCCATAAAAAAGCCCTGC-3'
Protein context (NP_057062.1, residues 712-732): FSEVVMKLEE[Cys722Phe]LCNIELMSPA

ClinVar aggregate classification (germline): Uncertain significance (1 of 4 stars; one submission).

gnomAD v4.1: 1 of 1,612,002 alleles (0.000062%); highest among the groups gnomAD compares: Admixed American, 0.0017%; no homozygotes.

Submission:

Labcorp Genetics (formerly Invitae), Labcorp
Classification: Uncertain significance. Last evaluated: 2025-05-29. Review status: criteria provided, single submitter. Criteria: Invitae Variant Classification Sherloc (09022015). Collection method: clinical testing. Allele origin: germline.
Comment: This sequence change replaces cysteine, which is neutral and slightly polar, with phenylalanine, which is neutral and non-polar, at codon 722 of the TNNI3K protein (p.Cys722Phe). This variant is present in population databases (no rsID available, gnomAD 0.003%). This variant has not been reported in the literature in individuals affected with TNNI3K-related conditions. An algorithm developed to predict the effect of missense changes on protein structure and function (PolyPhen-2) suggests that this variant is likely to be tolerated. In summary, the available evidence is currently insufficient to determine the role of this variant in disease. Therefore, it has been classified as a Variant of Uncertain Significance.